The following is an entry in ClinVar:

ClinVar aggregate classification (germline): Uncertain significance. Review status: criteria provided, multiple submitters, no conflicts (2 of 4 stars). 2 submissions from 2 submitters: Uncertain significance (2). Last evaluated 2025-01-31.

Conditions:
Pulmonary fibrosis and/or bone marrow failure, Telomere-related, 3. Also called: PULMONARY FIBROSIS AND/OR BONE MARROW FAILURE SYNDROME, TELOMERE-RELATED, 3. Identifiers: Orphanet 2032, MedGen C4225346, MONDO:0014613, OMIM 616373.
Dyskeratosis congenita, autosomal recessive 5 (DKCB5). Identifiers: MedGen C3554656, MONDO:0014076, OMIM 615190.
Inborn genetic diseases. Identifiers: MedGen C0950123, MeSH D030342.

Submissions (2):

Ambry Genetics
Classification: Uncertain significance for Inborn genetic diseases. Last evaluated: 2025-01-31. Review status: criteria provided, single submitter. Criteria: Ambry Variant Classification Scheme 2023. Collection method: clinical testing. Allele origin: germline.
Comment: The p.N239D variant (also known as c.715A>G), located in coding exon 8 of the RTEL1 gene, results from an A to G substitution at nucleotide position 715. The asparagine at codon 239 is replaced by aspartic acid, an amino acid with highly similar properties. This amino acid position is conserved. In addition, this alteration is predicted to be tolerated by in silico analysis. Based on the available evidence, the clinical significance of this variant remains unclear.

Labcorp Genetics (formerly Invitae), Labcorp
Classification: Uncertain significance for Dyskeratosis congenita, autosomal recessive 5; Pulmonary fibrosis and/or bone marrow failure, Telomere-related, 3. Last evaluated: 2024-08-31. Review status: criteria provided, single submitter. Criteria: Invitae Variant Classification Sherloc (09022015). Collection method: clinical testing. Allele origin: germline.
Comment: This sequence change replaces asparagine, which is neutral and polar, with aspartic acid, which is acidic and polar, at codon 239 of the RTEL1 protein (p.Asn239Asp). This variant is not present in population databases (gnomAD no frequency). This variant has not been reported in the literature in individuals affected with RTEL1-related conditions. An algorithm developed to predict the effect of missense changes on protein structure and function (PolyPhen-2) suggests that this variant is likely to be tolerated. In summary, the available evidence is currently insufficient to determine the role of this variant in disease. Therefore, it has been classified as a Variant of Uncertain Significance.

NM_001283009.2(RTEL1):c.715A>G (p.Asn239Asp)

Genes: RTEL1 (regulator of telomere elongation helicase 1; plus strand), RTEL1-TNFRSF6B (RTEL1-TNFRSF6B readthrough (NMD candidate); plus strand). Cytogenetic location: 20q13.33.
Variant type: single nucleotide variant.
Coding change: c.715A>G on transcript NM_001283009.2 (MANE Select); coding-DNA position 715, A replaced by G.
Protein change: p.Asn239Asp; replaces asparagine 239 with aspartic acid.
Molecular consequence: missense variant. On other transcripts: non-coding transcript variant (1).
Genome position (GRCh38, 1-based): chr20:63,672,571, A>G. VCF-style: chr20-63672571-A-G. GRCh37 (hg19) VCF-style: chr20-62303924-A-G.
Other names: c.46A>G, p.Asn16Asp (NM_001283010.1); c.715A>G, p.Asn239Asp (NM_016434.4); c.787A>G, p.Asn263Asp (NM_032957.5); short protein forms N16D, N239D, N263D.
Identifiers: ClinVar variation 3751594 (VCV003751594.3).
Genomic context (GRCh38, chr20:63,672,571, plus strand): 5'-GCCTCTGTGAGCTCCAGCGCTGCGTCCCTTCTCTTCCTCCTGTAGAGCCGCAGAGCACAC[A>G]ACATTGACCTGAAGGGGACAGTCGTGATCTTTGACGAAGCTCACAACGTGGTGAGTCTCC-3'
Protein context (NP_001269938.1, residues 229-249): LLDAKSRRAH[Asn239Asp]IDLKGTVVIF